The following is an entry in ClinVar:

ClinVar aggregate classification (germline): Uncertain significance. Review status: criteria provided, multiple submitters, no conflicts (2 of 4 stars). 2 submissions from 2 submitters: Uncertain significance (2). Last evaluated 2025-11-25.

Allele frequency attached by ClinVar (database versions not stated): gnomAD 0.00001 and 0.00002; TOPMed 0.00001; ExAC 0.00003; gnomAD exomes 0.00003 and 0.00006; 1000 Genomes Project 30x 0.00016; 1000 Genomes Project 0.00020.
gnomAD v4.1: 49 of 1,610,070 alleles (0.003%); highest among the groups gnomAD compares: Middle Eastern, 0.083%; 1 homozygote.

Submissions (2):

Labcorp Genetics (formerly Invitae), Labcorp
Classification: Uncertain significance. Last evaluated: 2025-11-25. Review status: criteria provided, single submitter. Criteria: Invitae Variant Classification Sherloc (09022015). Collection method: clinical testing. Allele origin: germline.
Comment: This sequence change replaces methionine, which is neutral and non-polar, with threonine, which is neutral and polar, at codon 87 of the CCT2 protein (p.Met87Thr). This variant is present in population databases (rs575870766, gnomAD 0.02%). This variant has not been reported in the literature in individuals affected with CCT2-related conditions. ClinVar contains an entry for this variant (Variation ID: 835634). An algorithm developed to predict the effect of missense changes on protein structure and function (PolyPhen-2) suggests that this variant is likely to be tolerated. In summary, the available evidence is currently insufficient to determine the role of this variant in disease. Therefore, it has been classified as a Variant of Uncertain Significance.

Ambry Genetics
Classification: Uncertain significance. Last evaluated: 2021-08-13. Review status: criteria provided, single submitter. Criteria: Ambry Variant Classification Scheme 2023. Collection method: clinical testing. Allele origin: germline.

NM_006431.3(CCT2):c.260T>C (p.Met87Thr)

Gene: CCT2 (chaperonin containing TCP1 subunit 2; plus strand). Cytogenetic location: 12q15.
Variant type: single nucleotide variant.
Coding change: c.260T>C on transcript NM_006431.3 (MANE Select); coding-DNA position 260, T replaced by C.
Protein change: p.Met87Thr; replaces methionine 87 with threonine.
Molecular consequence: missense variant.
Genome position (GRCh38, 1-based): chr12:69,587,933, T>C. VCF-style: chr12-69587933-T-C. GRCh37 (hg19) VCF-style: chr12-69981713-T-C.
Other names: c.119T>C, p.Met40Thr (NM_001198842.2); short protein forms M87T, M40T.
Identifiers: ClinVar variation 835634 (VCV000835634.9), dbSNP rs575870766, ClinGen allele CA6680525.